The following is an entry in ClinVar:

ClinVar aggregate classification (germline): Uncertain significance (1 of 4 stars; one submission).

Allele frequency attached by ClinVar (database versions not stated): gnomAD exomes below 0.00001.
gnomAD v4.1: 1 of 1,613,460 alleles (0.000062%); highest among the groups gnomAD compares: Non-Finnish European, 0.000085%; no homozygotes.

Submission:

Labcorp Genetics (formerly Invitae), Labcorp
Classification: Uncertain significance. Last evaluated: 2022-07-27. Review status: criteria provided, single submitter. Criteria: Invitae Variant Classification Sherloc (09022015). Collection method: clinical testing. Allele origin: germline.
Comment: This sequence change replaces arginine, which is basic and polar, with cysteine, which is neutral and slightly polar, at codon 447 of the COLGALT1 protein (p.Arg447Cys). This variant is not present in population databases (gnomAD no frequency). This variant has not been reported in the literature in individuals affected with COLGALT1-related conditions. Algorithms developed to predict the effect of missense changes on protein structure and function are either unavailable or do not agree on the potential impact of this missense change (SIFT: "Not Available"; PolyPhen-2: "Probably Damaging"; Align-GVGD: "Not Available"). In summary, the available evidence is currently insufficient to determine the role of this variant in disease. Therefore, it has been classified as a Variant of Uncertain Significance.

NM_024656.4(COLGALT1):c.1339C>T (p.Arg447Cys)

Gene: COLGALT1 (collagen beta(1-O)galactosyltransferase 1; plus strand). Cytogenetic location: 19p13.11.
Variant type: single nucleotide variant.
Coding change: c.1339C>T on transcript NM_024656.4 (MANE Select); coding-DNA position 1339, C replaced by T.
Protein change: p.Arg447Cys; replaces arginine 447 with cysteine.
Molecular consequence: missense variant.
Genome position (GRCh38, 1-based): chr19:17,579,554, C>T. VCF-style: chr19-17579554-C-T. GRCh37 (hg19) VCF-style: chr19-17690363-C-T.
Other names: short protein forms R447C.
Identifiers: ClinVar variation 1976130 (VCV001976130.2), dbSNP rs947577811, ClinGen allele CA306105880.